The following is an entry in ClinVar:

ClinVar aggregate classification (germline): Uncertain significance. Review status: criteria provided, multiple submitters, no conflicts (2 of 4 stars). 2 submissions from 2 submitters: Uncertain significance (2). Last evaluated 2025-12-15.

Conditions:
Inborn genetic diseases. Identifiers: MedGen C0950123, MeSH D030342.

gnomAD v4.1: 7 of 1,172,570 alleles (0.0006%); highest among the groups gnomAD compares: Non-Finnish European, 0.00077%; no homozygotes.

Submissions (2):

Ambry Genetics
Classification: Uncertain significance for Inborn genetic diseases. Last evaluated: 2025-12-15. Review status: criteria provided, single submitter. Criteria: Ambry Variant Classification Scheme 2023. Collection method: clinical testing. Allele origin: germline.

GeneDx
Classification: Uncertain significance. Last evaluated: 2019-03-15. Review status: criteria provided, single submitter. Criteria: GeneDx Variant Classification Process June 2021. Collection method: clinical testing. Allele origin: germline. Affected: yes.
Comment: Not observed in large population cohorts (Lek et al., 2016); In silico analysis, which includes protein predictors and evolutionary conservation, supports a deleterious effect; Has not been previously published as pathogenic or benign to our knowledge

NM_025114.4(CEP290):c.4043A>C (p.His1348Pro)

Gene: CEP290 (centrosomal protein 290; minus strand). Cytogenetic location: 12q21.32.
Variant type: single nucleotide variant.
Coding change: c.4043A>C on transcript NM_025114.4 (MANE Select); coding-DNA position 4043, A replaced by C.
Protein change: p.His1348Pro; replaces histidine 1348 with proline.
Molecular consequence: missense variant.
Genome position (GRCh38, 1-based): chr12:88,087,931, T>G on the plus strand (A>C on the coding strand, the complement: CEP290 is on the minus strand). VCF-style: chr12-88087931-T-G. GRCh37 (hg19) VCF-style: chr12-88481708-T-G.
Other names: short protein forms H1348P.
Identifiers: ClinVar variation 1308053 (VCV001308053.3), dbSNP rs1285246761, ClinGen allele CA385999339.